The following is an entry in ClinVar:

NM_013275.6(ANKRD11):c.5935C>G (p.Leu1979Val)

Gene: ANKRD11 (ankyrin repeat domain 11; minus strand). Cytogenetic location: 16q24.3.
Variant type: single nucleotide variant.
Coding change: c.5935C>G on transcript NM_013275.6 (MANE Select); coding-DNA position 5935, C replaced by G.
Protein change: p.Leu1979Val; replaces leucine 1979 with valine.
Molecular consequence: missense variant.
Genome position (GRCh38, 1-based): chr16:89,280,607, G>C on the plus strand (C>G on the coding strand, the complement: ANKRD11 is on the minus strand). VCF-style: chr16-89280607-G-C. GRCh37 (hg19) VCF-style: chr16-89347015-G-C.
Other names: c.5935C>G (NM_013275.5, NM_013275.4); c.5935C>G, p.Leu1979Val (NM_001256182.2, NM_001256183.2); short protein forms L1979V.
Identifiers: ClinVar variation 2193681 (VCV002193681.10), dbSNP rs774653782, ClinGen allele CA8241671.

ClinVar aggregate classification (germline): Conflicting classifications of pathogenicity. Review status: criteria provided, conflicting classifications (1 of 4 stars). 4 submissions from 4 submitters: Uncertain significance (3); Likely benign (1). Last evaluated 2026-04-01.

Conditions:
Inborn genetic diseases. Identifiers: MedGen C0950123, MeSH D030342.
KBG syndrome (KBGS). Also called: ANKRD11-Related KBG Syndrome. Identifiers: Orphanet 2332, MedGen C0220687, MONDO:0007846, OMIM 148050.

Allele frequency attached by ClinVar (database versions not stated): ExAC 0.00002.
gnomAD v4.1: 6 of 1,613,498 alleles (0.00037%); highest among the groups gnomAD compares: Admixed American, 0.0083%; no homozygotes.

Submissions (4):

CeGaT Center for Human Genetics Tuebingen
Classification: Uncertain significance. Last evaluated: 2026-04-01. Review status: criteria provided, single submitter. Criteria: CeGaT Center For Human Genetics Tuebingen Variant Classification Criteria Version 2. Collection method: clinical testing. Allele origin: germline. Affected: yes. Observed: 1 variant allele.
Comment: ANKRD11: PM2:Supporting, BP4

Labcorp Genetics (formerly Invitae), Labcorp
Classification: Uncertain significance for KBG syndrome. Last evaluated: 2024-12-02. Review status: criteria provided, single submitter. Criteria: Invitae Variant Classification Sherloc (09022015). Collection method: clinical testing. Allele origin: germline.
Comment: This sequence change replaces leucine, which is neutral and non-polar, with valine, which is neutral and non-polar, at codon 1979 of the ANKRD11 protein (p.Leu1979Val). This variant is present in population databases (rs774653782, gnomAD 0.02%). This variant has not been reported in the literature in individuals affected with ANKRD11-related conditions. ClinVar contains an entry for this variant (Variation ID: 2193681). Invitae Evidence Modeling of protein sequence and biophysical properties (such as structural, functional, and spatial information, amino acid conservation, physicochemical variation, residue mobility, and thermodynamic stability) indicates that this missense variant is not expected to disrupt ANKRD11 protein function with a negative predictive value of 95%. In summary, the available evidence is currently insufficient to determine the role of this variant in disease. Therefore, it has been classified as a Variant of Uncertain Significance.

Ambry Genetics
Classification: Likely benign for Inborn genetic diseases. Last evaluated: 2024-06-11. Review status: criteria provided, single submitter. Criteria: Ambry Variant Classification Scheme 2023. Collection method: clinical testing. Allele origin: germline.

Revvity Omics, Revvity
Classification: Uncertain significance for KBG syndrome. Last evaluated: 2019-05-21. Review status: criteria provided, single submitter. Criteria: ACMG Guidelines, 2015. Collection method: clinical testing. Allele origin: germline.